The following is an entry in ClinVar:

NM_000395.3(CSF2RB):c.2568A>T (p.Gln856His)

Gene: CSF2RB (colony stimulating factor 2 receptor subunit beta; plus strand). Cytogenetic location: 22q12.3.
Variant type: single nucleotide variant.
Coding change: c.2568A>T on transcript NM_000395.3 (MANE Select); coding-DNA position 2568, A replaced by T.
Protein change: p.Gln856His; replaces glutamine 856 with histidine.
Molecular consequence: missense variant.
Genome position (GRCh38, 1-based): chr22:36,938,376, A>T. VCF-style: chr22-36938376-A-T. GRCh37 (hg19) VCF-style: chr22-37334418-A-T.
Other names: c.2586A>T, p.Gln862His (NM_001410827.1); short protein forms Q856H, Q862H.
Identifiers: ClinVar variation 2755582 (VCV002755582.3), dbSNP rs2518012226, ClinGen allele CA411411755.

ClinVar aggregate classification (germline): Uncertain significance (1 of 4 stars; one submission).

Submission:

Labcorp Genetics (formerly Invitae), Labcorp
Classification: Uncertain significance. Last evaluated: 2023-09-06. Review status: criteria provided, single submitter. Criteria: Invitae Variant Classification Sherloc (09022015). Collection method: clinical testing. Allele origin: germline.
Comment: This sequence change replaces glutamine, which is neutral and polar, with histidine, which is basic and polar, at codon 856 of the CSF2RB protein (p.Gln856His). This variant is not present in population databases (gnomAD no frequency). This variant has not been reported in the literature in individuals affected with CSF2RB-related conditions. Advanced modeling of protein sequence and biophysical properties (such as structural, functional, and spatial information, amino acid conservation, physicochemical variation, residue mobility, and thermodynamic stability) performed at Invitae indicates that this missense variant is not expected to disrupt CSF2RB protein function. In summary, the available evidence is currently insufficient to determine the role of this variant in disease. Therefore, it has been classified as a Variant of Uncertain Significance.